The following is an entry in ClinVar:

NM_014780.5(CUL7):c.4763T>C (p.Leu1588Pro)

Gene: CUL7 (cullin 7; minus strand). Cytogenetic location: 6p21.1.
Variant type: single nucleotide variant.
Coding change: c.4763T>C on transcript NM_014780.5 (MANE Select); coding-DNA position 4763, T replaced by C.
Protein change: p.Leu1588Pro; replaces leucine 1588 with proline.
Molecular consequence: missense variant.
Genome position (GRCh38, 1-based): chr6:43,038,277, A>G on the plus strand (T>C on the coding strand, the complement: CUL7 is on the minus strand). VCF-style: chr6-43038277-A-G. GRCh37 (hg19) VCF-style: chr6-43006015-A-G.
Other names: c.4859T>C, p.Leu1620Pro (NM_001168370.2, NM_001374872.1); c.4775T>C, p.Leu1592Pro (NM_001374873.1); c.4760T>C, p.Leu1587Pro (NM_001374874.1); short protein forms L1587P, L1588P, L1592P, L1620P.
Identifiers: ClinVar variation 998007 (VCV000998007.8), dbSNP rs759300846, ClinGen allele CA3813126.

ClinVar aggregate classification (germline): Pathogenic/Likely pathogenic. Review status: criteria provided, multiple submitters, no conflicts (2 of 4 stars). 4 submissions from 4 submitters: Pathogenic (1); Likely pathogenic (2). 1 of the submissions does not count toward it. Last evaluated 2024-09-11.

Conditions:
3M syndrome 1. Also called: 3-M Syndrome, CUL7-Related. Identifiers: Orphanet 2616, MedGen C2678312, MONDO:0010117, OMIM 273750.
3-M syndrome. Also called: 3M SYNDROME; 3-MSBN; Three-M slender-boned nanism; Three M syndrome. Identifiers: Orphanet 2616, MedGen C1848862, MONDO:0007477.

Allele frequency attached by ClinVar (database versions not stated): gnomAD exomes below 0.00001; ExAC 0.00001; gnomAD 0.00001; TOPMed 0.00001.
gnomAD v4.1: 4 of 1,614,040 alleles (0.00025%); highest among the groups gnomAD compares: East Asian, 0.0022%; no homozygotes.

Submissions (4):

3billion
Classification: Likely pathogenic for 3M syndrome 1. Last evaluated: 2024-09-11. Review status: criteria provided, single submitter. Criteria: ACMG Guidelines, 2015. Collection method: clinical testing. Allele origin: germline. Affected: yes.
Comment: The variant is observed at an extremely low frequency in the gnomAD v4.0.0 dataset (total allele frequency: <0.001%). Predicted Consequence/Location: Missense variant. The majority of the known disease-causing variants of this gene are variants expected to result in premature termination of the protein. In silico tool predictions suggest damaging effect of the variant on gene or gene product [REVEL: 0.80 (>=0.6, sensitivity 0.68 and specificity 0.92); 3Cnet: 0.86 (>=0.6, sensitivity 0.72 and precision 0.9)]. The same nucleotide change resulting in the same amino acid change has been previously reported to be associated with CUL7 related disorder (ClinVar ID: VCV000998007 /PMID: 23018678). The variant has been reported to be in trans with a pathogenic variant as either compound heterozygous or homozygous in at least one similarly affected unrelated individual (PMID: 23018678, 28969986). Therefore, this variant is classified as Likely pathogenic according to the recommendation of ACMG/AMP guideline.

Labcorp Genetics (formerly Invitae), Labcorp
Classification: Pathogenic. Last evaluated: 2024-03-04. Review status: criteria provided, single submitter. Criteria: Invitae Variant Classification Sherloc (09022015). Collection method: clinical testing. Allele origin: germline.
Comment: This sequence change replaces leucine, which is neutral and non-polar, with proline, which is neutral and non-polar, at codon 1588 of the CUL7 protein (p.Leu1588Pro). This variant is present in population databases (rs759300846, gnomAD 0.01%). This missense change has been observed in individual(s) with clinical features of 3-M syndrome (PMID: 23018678, 28969986; Invitae). In at least one individual the data is consistent with being in trans (on the opposite chromosome) from a pathogenic variant. ClinVar contains an entry for this variant (Variation ID: 998007). Advanced modeling of protein sequence and biophysical properties (such as structural, functional, and spatial information, amino acid conservation, physicochemical variation, residue mobility, and thermodynamic stability) performed at Invitae indicates that this missense variant is not expected to disrupt CUL7 protein function with a negative predictive value of 80%. Experimental studies have shown that this missense change affects CUL7 function (PMID: 31343991). For these reasons, this variant has been classified as Pathogenic.

Women's Health and Genetics/Laboratory Corporation of America, LabCorp
Classification: Likely pathogenic for 3-M syndrome. Last evaluated: 2023-02-16. Review status: criteria provided, single submitter. Criteria: LabCorp Variant Classification Summary - May 2015. Collection method: clinical testing. Allele origin: germline.
Comment: Variant summary: CUL7 c.4763T>C (p.Leu1588Pro) results in a non-conservative amino acid change located in the Cullin protein, neddylation domain of the encoded protein sequence. Five of five in-silico tools predict a damaging effect of the variant on protein function. The variant allele was found at a frequency of 4e-06 in 250766 control chromosomes. c.4763T>C has been reported in the literature in individuals affected with Three M Syndrome in the compound heterozygous and homozygous states (Hanson_2012, Hu_2017, Fan_2021). These data indicate that the variant may be associated with disease. Experimental evidence found that the L1588P mutation in CUL7 disrupted its interaction with endogenous CCDC8, its association with the membrane, and the ability to degrade LL5 protein (Wang_2019). Two clinical diagnostic laboratories have submitted clinical-significance assessments for this variant to ClinVar after 2014 without evidence for independent evaluation. One laboratory classified the variant as likely pathogenic, and one laboratory classified the variant as uncertain significance. Based on the evidence outlined above, the variant was classified as likely pathogenic.

Beijing Key Laboratory for Genetic Research of Skeletal Deformity, Peking Union Medical College Hospital
Classification: Likely pathogenic for 3M syndrome 1. Last evaluated: 2019-05-31. Review status: no assertion criteria provided. Collection method: research. Allele origin: inherited. Affected: yes. Not counted in ClinVar's aggregate classification.

Literature cited by the submitters: PubMed 28969986 (cited by 3 submitters); PubMed 23018678 (cited by 3 submitters); PubMed 31343991 (cited by Labcorp Genetics (formerly Invitae), Labcorp and Women's Health and Genetics/Laboratory Corporation of America, LabCorp); PubMed 34006472 (cited by Women's Health and Genetics/Laboratory Corporation of America, LabCorp).